The following is an entry in ClinVar:

ClinVar aggregate classification (germline): Uncertain significance (1 of 4 stars; one submission).

Conditions:
Spermatogenic failure 18. Identifiers: MedGen C4539783, MONDO:0054615, OMIM 617576.
Ciliary dyskinesia, primary, 37 (CILD37). Also called: CILIARY DYSKINESIA, PRIMARY, 37, WITH OR WITHOUT SITUS INVERSUS. Identifiers: MedGen C4539798, MONDO:0033204, OMIM 617577.

Allele frequency attached by ClinVar (database versions not stated): gnomAD exomes below 0.00001 and 0.00001; gnomAD 0.00001; TOPMed 0.00001.

Submission:

Labcorp Genetics (formerly Invitae), Labcorp
Classification: Uncertain significance for Ciliary dyskinesia, primary, 37; Spermatogenic failure 18. Last evaluated: 2022-07-05. Review status: criteria provided, single submitter. Criteria: Invitae Variant Classification Sherloc (09022015). Collection method: clinical testing. Allele origin: germline.
Comment: This sequence change replaces tyrosine, which is neutral and polar, with cysteine, which is neutral and slightly polar, at codon 1849 of the DNAH1 protein (p.Tyr1849Cys). This variant is present in population databases (rs769961405, gnomAD 0.001%). This variant has not been reported in the literature in individuals affected with DNAH1-related conditions. ClinVar contains an entry for this variant (Variation ID: 1378217). Algorithms developed to predict the effect of missense changes on protein structure and function (SIFT, PolyPhen-2, Align-GVGD) all suggest that this variant is likely to be disruptive. In summary, the available evidence is currently insufficient to determine the role of this variant in disease. Therefore, it has been classified as a Variant of Uncertain Significance.

NM_015512.5(DNAH1):c.5546A>G (p.Tyr1849Cys)

Gene: DNAH1 (dynein axonemal heavy chain 1; plus strand). Cytogenetic location: 3p21.1.
Variant type: single nucleotide variant.
Coding change: c.5546A>G on transcript NM_015512.5 (MANE Select); coding-DNA position 5546, A replaced by G.
Protein change: p.Tyr1849Cys; replaces tyrosine 1849 with cysteine.
Molecular consequence: missense variant.
Genome position (GRCh38, 1-based): chr3:52,366,484, A>G. VCF-style: chr3-52366484-A-G. GRCh37 (hg19) VCF-style: chr3-52400500-A-G.
Other names: short protein forms Y1849C.
Identifiers: ClinVar variation 1378217 (VCV001378217.6), dbSNP rs769961405, ClinGen allele CA2434243.